The following is an entry in ClinVar:

ClinVar aggregate classification (germline): Uncertain significance. Review status: criteria provided, multiple submitters, no conflicts (2 of 4 stars). 2 submissions from 2 submitters: Uncertain significance (2). Last evaluated 2024-01-14.

Conditions:
Sotos syndrome (SOTOS). Also called: CEREBRAL GIGANTISM; Sotos' syndrome; CHROMOSOME 5q35 DELETION SYNDROME; Distinctive facial appearance, overgrowth in childhood, and learning disabilities or delayed development; SOTOS SYNDROME 1. Identifiers: Orphanet 821, MedGen C0175695, MONDO:0019349, OMIM 117550.

Submissions (2):

Fulgent Genetics
Classification: Uncertain significance for Sotos syndrome. Last evaluated: 2024-01-14. Review status: criteria provided, single submitter. Criteria: ACMG Guidelines, 2015. Collection method: clinical testing. Allele origin: germline.

Labcorp Genetics (formerly Invitae), Labcorp
Classification: Uncertain significance. Last evaluated: 2022-08-20. Review status: criteria provided, single submitter. Criteria: Invitae Variant Classification Sherloc (09022015). Collection method: clinical testing. Allele origin: germline.
Comment: This variant, c.6763_6765del, results in the deletion of 1 amino acid(s) of the NSD1 protein (p.Pro2255del), but otherwise preserves the integrity of the reading frame. This variant is not present in population databases (gnomAD no frequency). This variant has not been reported in the literature in individuals affected with NSD1-related conditions. Experimental studies and prediction algorithms are not available or were not evaluated, and the functional significance of this variant is currently unknown. In summary, the available evidence is currently insufficient to determine the role of this variant in disease. Therefore, it has been classified as a Variant of Uncertain Significance.

NM_022455.5(NSD1):c.6760CCT[1] (p.Pro2255del)

Gene: NSD1 (nuclear receptor binding SET domain protein 1; plus strand). Cytogenetic location: 5q35.3.
Variant type: Microsatellite.
Coding change: c.6760CCT[1] on transcript NM_022455.5 (MANE Select); one copy of the 3-base unit CCT starting at c.6760; the reference has two copies in a row; one copy, 3 bases deleted; also written c.6763_6765del.
Protein change: p.Pro2255del; deletes proline 2255.
Molecular consequence: inframe deletion. On other transcripts: inframe indel (11).
Genome position (GRCh38, 1-based): chr5:177,294,131-177,294,133, CCT deleted; deleting any 3 consecutive bases within chr5:177,294,128-177,294,133 gives the same sequence; the position shown is the placement nearest the transcript's 3' end. VCF-style (leftmost placement, unchanged base first): chr5-177294127-ACCT-A. GRCh37 (hg19) VCF-style: chr5-176721128-ACCT-A.
Other names: c.6763_6765del (NM_022455.5); c.5887_5889CCT[1], p.Pro1964del (NM_001365684.2, NM_001409308.1, NM_172349.5); c.6760_6762CCT[1], p.Pro2255del (NM_001409301.1, NM_001409302.1, NM_001409303.1); c.6340_6342CCT[1], p.Pro2115del (NM_001409304.1); c.6007_6009CCT[1], p.Pro2004del (NM_001409305.1); c.5998_6000CCT[1], p.Pro2001del (NM_001409306.1, NM_001409307.1); c.5638_5640CCT[1], p.Pro1881del (NM_001409309.1); short protein forms P2115del, P1986del, P2004del, P2001del, P1881del, P1964del, P2255del.
Identifiers: ClinVar variation 2025241 (VCV002025241.5), dbSNP rs2480830125, ClinGen allele CA2580614807.